The following is an entry in ClinVar:

NM_000439.5(PCSK1):c.397-10T>C

Genes: CAST (calpastatin; plus strand), PCSK1 (proprotein convertase subtilisin/kexin type 1; minus strand), LOC101929710 (uncharacterized LOC101929710; plus strand). Cytogenetic location: 5q15.
Variant type: single nucleotide variant.
Coding change: c.397-10T>C on transcript NM_000439.5 (MANE Select); 10 bases into the intron before coding-DNA position 397, T replaced by C.
Molecular consequence: intron variant.
Genome position (GRCh38, 1-based): chr5:96,423,469, A>G on the plus strand (T>C on the coding strand, the complement: PCSK1 is on the minus strand). VCF-style: chr5-96423469-A-G. GRCh37 (hg19) VCF-style: chr5-95759173-A-G.
Other names: c.256-10T>C (NM_001177875.2).
Identifiers: ClinVar variation 354652 (VCV000354652.21), dbSNP rs142423997, ClinGen allele CA3350491.
Genomic context (GRCh38, chr5:96,423,469, plus strand): 5'-TATCACATGAAGGTCCAGCTTGGGCAGGGCTGCCGTCATCCTGGTATCTTGCTGGTAAAG[A>G]AAAACAACGAAGCATTGATAAAATTATCATTTGCTTGCTACAAAATGGGCACTTCAGTTC-3'

ClinVar aggregate classification (germline): Benign. Review status: criteria provided, multiple submitters, no conflicts (2 of 4 stars). 5 submissions from 5 submitters: Benign (2). 3 of the submissions do not count toward it. Last evaluated 2026-01-15.

Conditions:
PCSK1-related disorder. Also called: PCSK1-related condition.

Allele frequency attached by ClinVar (database versions not stated): 1000 Genomes Project 30x 0.00250; 1000 Genomes Project 0.00300; ESP Exome Variant Server 0.00300; TOPMed 0.00300; gnomAD 0.00527 and 0.00535; ExAC 0.00566; gnomAD exomes 0.00609.
gnomAD v4.1: 9,612 of 1,613,606 alleles (0.6%); highest among the groups gnomAD compares: Non-Finnish European, 0.62%; 57 homozygotes.

Submissions (5):

Labcorp Genetics (formerly Invitae), Labcorp
Classification: Benign. Last evaluated: 2026-01-15. Review status: criteria provided, single submitter. Criteria: Invitae Variant Classification Sherloc (09022015). Collection method: clinical testing. Allele origin: germline.

Genetic Services Laboratory, University of Chicago
Classification: Benign. Last evaluated: 2020-09-10. Review status: criteria provided, single submitter. Criteria: ACMG Guidelines, 2015. Collection method: clinical testing. Allele origin: germline. Affected: no.

PreventionGenetics, part of Exact Sciences
Classification: Benign for PCSK1-related condition. Last evaluated: 2021-05-26. Review status: no assertion criteria provided. Collection method: clinical testing. Allele origin: germline. Not counted in ClinVar's aggregate classification.
Comment: This variant is classified as benign based on ACMG/AMP sequence variant interpretation guidelines (Richards et al. 2015 PMID: 25741868, with internal and published modifications).

Clinical Genetics DNA and cytogenetics Diagnostics Lab, Erasmus MC, Erasmus Medical Center
Classification: Likely benign. Review status: no assertion criteria provided. Collection method: clinical testing. Allele origin: germline. Affected: yes. Study: VKGL Data-share Consensus. Not counted in ClinVar's aggregate classification.

Genome Diagnostics Laboratory, University Medical Center Utrecht
Classification: Likely benign. Review status: no assertion criteria provided. Collection method: clinical testing. Allele origin: germline. Affected: yes. Study: VKGL Data-share Consensus. Not counted in ClinVar's aggregate classification.